The following is an entry in ClinVar:

ClinVar aggregate classification (germline): Uncertain significance (1 of 4 stars; one submission).

Conditions:
Candidiasis, familial, 9 (CANDF9). Identifiers: Orphanet 1334, MedGen C4225324, MONDO:0014642, OMIM 616445.

Allele frequency attached by ClinVar (database versions not stated): TOPMed 0.00001; ExAC 0.00002; gnomAD exomes 0.00006.
gnomAD v4.1: 13 of 1,614,098 alleles (0.00081%); highest among the groups gnomAD compares: Admixed American, 0.022%; no homozygotes.

Submission:

Labcorp Genetics (formerly Invitae), Labcorp
Classification: Uncertain significance for Candidiasis, familial, 9. Last evaluated: 2023-08-31. Review status: criteria provided, single submitter. Criteria: Invitae Variant Classification Sherloc (09022015). Collection method: clinical testing. Allele origin: germline.
Comment: In summary, the available evidence is currently insufficient to determine the role of this variant in disease. Therefore, it has been classified as a Variant of Uncertain Significance. ClinVar contains an entry for this variant (Variation ID: 841250). An algorithm developed to predict the effect of missense changes on protein structure and function (PolyPhen-2) suggests that this variant is likely to be disruptive. Algorithms developed to predict the effect of sequence changes on RNA splicing suggest that this variant may create or strengthen a splice site. This variant is present in population databases (rs752623690, gnomAD 0.04%). This sequence change replaces glycine, which is neutral and non-polar, with valine, which is neutral and non-polar, at codon 97 of the IL17RC protein (p.Gly97Val). This variant has not been reported in the literature in individuals affected with IL17RC-related conditions.

NM_153460.4(IL17RC):c.106-108G>T

Gene: IL17RC (interleukin 17 receptor C; plus strand). Cytogenetic location: 3p25.3.
Variant type: single nucleotide variant.
Coding change: c.106-108G>T on transcript NM_153460.4 (MANE Select); 108 bases into the intron before coding-DNA position 106, G replaced by T.
Molecular consequence: intron variant. On other transcripts: missense variant (1).
Genome position (GRCh38, 1-based): chr3:9,917,605, G>T. VCF-style: chr3-9917605-G-T. GRCh37 (hg19) VCF-style: chr3-9959289-G-T.
Other names: c.290G>T, p.Gly97Val (NM_153461.4); c.106-108G>T (NM_001203263.2, NM_001203264.2, NM_001367278.1 and 4 more transcripts); short protein forms G97V.
Identifiers: ClinVar variation 841250 (VCV000841250.5), dbSNP rs752623690, ClinGen allele CA2246695.